The following is an entry in ClinVar:

NM_000091.5(COL4A3):c.845C>A (p.Ser282Ter)

Genes: COL4A3 (collagen type IV alpha 3 chain; plus strand), MFF-DT (MFF divergent transcript; minus strand). Cytogenetic location: 2q36.3.
Variant type: single nucleotide variant.
Coding change: c.845C>A on transcript NM_000091.5 (MANE Select); coding-DNA position 845, C replaced by A.
Protein change: p.Ser282Ter; replaces serine 282 with a stop codon.
Molecular consequence: nonsense.
Genome position (GRCh38, 1-based): chr2:227,254,672, C>A. VCF-style: chr2-227254672-C-A. GRCh37 (hg19) VCF-style: chr2-228119388-C-A.
Other names: short protein forms S282*.
Identifiers: ClinVar variation 4875532 (VCV004875532.1).

ClinVar aggregate classification (germline): Pathogenic (1 of 4 stars; one submission).

Conditions:
Hematuria, benign familial, 1 (BFH1). Also called: THIN MEMBRANE NEPHROPATHY. Identifiers: MedGen CN376803, MONDO:0007709, OMIM 141200.

Submission:

Department of Nephrology, Rheumatology and Immunology, Shanghai Children's Hospital
Classification: Pathogenic for Hematuria, benign familial, 1. Last evaluated: 2020-05-07. Review status: criteria provided, single submitter. Criteria: ACMG Guidelines, 2015. Collection method: clinical testing. Allele origin: maternal. Inheritance: Autosomal dominant inheritance. Affected: yes. Observed: 1 variant allele.
Comment: The NM_000091.5(COL4A3):c.845C>A(p.S282X) is a missense variant in COL4A3. The variant was not recorded in the 1000 Genomes, ExAC and gnomAD databases and was judged pathogenic under ACMG criteria (evidence: PVS1+PM2+PP3).